The following is an entry in ClinVar:

ClinVar aggregate classification (germline): Pathogenic/Likely pathogenic. Review status: criteria provided, multiple submitters, no conflicts (2 of 4 stars). 10 submissions from 8 submitters: Pathogenic (8); Likely pathogenic (1). 1 of the submissions does not count toward it. Last evaluated 2026-09-11.

Conditions:
Cardiovascular phenotype. Identifiers: MedGen CN230736.
Cardiomyopathy (CMYO). Also called: Cardiomyopathies. Identifiers: Orphanet 167848, MedGen C0878544, MONDO:0004994, HP:0001638. Inheritance: Various modes of inheritance.
Dilated cardiomyopathy 1D. Identifiers: Orphanet 154, Orphanet 54260, MedGen C1832243, MONDO:0011095, OMIM 601494.
Cardiomyopathy, familial restrictive, 3. Identifiers: Orphanet 75249, MedGen C2676271, MONDO:0012900, OMIM 612422.
Hypertrophic cardiomyopathy 2. Also called: TNNT2-Related Familial Hypertrophic Cardiomyopathy. Identifiers: MedGen C1861864, MONDO:0007266, OMIM 115195.
Hypertrophic cardiomyopathy. Also called: HYPERTROPHIC MYOCARDIOPATHY. Identifiers: Orphanet 217569, MedGen C0007194, MeSH D002312, MONDO:0005045, HP:0001639.

Allele frequency attached by ClinVar (database versions not stated): gnomAD exomes below 0.00001; gnomAD 0.00001.
gnomAD v4.1: 3 of 1,614,038 alleles (0.00019%); highest among the groups gnomAD compares: East Asian, 0.0067%; no homozygotes.

Submissions (10):

Ambry Genetics
Classification: Likely pathogenic for Cardiovascular phenotype. Last evaluated: 2026-09-11. Review status: criteria provided, single submitter. Criteria: Ambry Variant Classification Scheme 2023. Collection method: clinical testing. Allele origin: germline.
Comment: The p.F110I variant (also known as c.328T>A), located in coding exon 8 of the TNNT2 gene, results from a T to A substitution at nucleotide position 328. The phenylalanine at codon 110 is replaced by isoleucine, an amino acid with highly similar properties. This variant was identified in one or more individuals with features consistent with hypertrophic cardiomyopathy and segregated with disease in at least one family (Watkins H et al. N Engl J Med, 1995 Apr;332:1058-64; Anan R et al. Circulation, 1998 Aug;98:391-7l Otsuka H et al. Circ J, 2012 Nov;76:453-61). This amino acid position is highly conserved in available vertebrate species. In addition, this alteration is predicted to be deleterious by in silico analysis. This variant is considered to be rare based on population cohorts in the Genome Aggregation Database (gnomAD). Based on the majority of available evidence to date, this variant is likely to be pathogenic.

All of Us Research Program, National Institutes of Health
Classification: Pathogenic for Hypertrophic cardiomyopathy. Last evaluated: 2024-04-25. Review status: criteria provided, single submitter. Criteria: ACMG Guidelines, 2015. Collection method: clinical testing. Allele origin: germline. Inheritance: Autosomal dominant inheritance. Observed: 1 variant allele, 1 heterozygote.
Comment: This missense variant replaces phenylalanine with isoleucine at codon 110 in the tropomyosin binding domain of the TNNT2 protein. Computational prediction tools indicate that this variant has a deleterious impact on protein structure and function. A functional study has shown the mutant protein to exhibit increased Ca2+ sensitivity of force development and impaired ATPase activation in cardiac muscle preparation (PMID: 10617660). A transgenic mouse model for this variant has shown a phenotype consistent with decreased exercise tolerance and increased heart weight to body weight ratio (PMID: 16115869). This variant has been reported in over ten individuals affected with hypertrophic cardiomyopathy (PMID: 7898523, 9482583, 9714088, 22112859, 23494605, 29907873). It has been shown that this variant segregates with disease in multiple affected individuals across six families, and was associated with variable cardiac morphologies and a favorable prognosis (PMID: 9714088). This variant has not been identified in the general population by the Genome Aggregation Database (gnomAD). A different variant affecting the same codon, p.Phe110Leu is considered to be disease-causing (ClinVar variation ID: 177807), suggesting that phenylalanine at this position is important for TNNT2 protein function. Based on the available evidence, this variant is classified as Pathogenic.

This study involves interpretation of variants in research participants for the purpose of population health screening. Participant phenotype was not available at the time of variant classification. Additional details can be found in publication PMID: 35346344, PMCID: PMC8962531

Color Diagnostics, LLC DBA Color Health
Classification: Pathogenic for Cardiomyopathy. Last evaluated: 2024-02-16. Review status: criteria provided, single submitter. Criteria: ACMG Guidelines, 2015. Collection method: clinical testing. Allele origin: germline.
Comment: This missense variant replaces phenylalanine with isoleucine at codon 110 in the tropomyosin binding domain of the TNNT2 protein. Computational prediction tools indicate that this variant has a deleterious impact on protein structure and function. A functional study has shown the mutant protein to exhibit increased Ca2+ sensitivity of force development and impaired ATPase activation in cardiac muscle preparation (PMID: 10617660). A transgenic mouse model for this variant has shown a phenotype consistent with decreased exercise tolerance and increased heart weight to body weight ratio (PMID: 16115869). This variant has been reported in over ten individuals affected with hypertrophic cardiomyopathy (PMID: 7898523, 9482583, 9714088, 22112859, 23494605, 29907873). It has been shown that this variant segregates with disease in multiple affected individuals across six families, and was associated with variable cardiac morphologies and a favorable prognosis (PMID: 9714088). This variant has not been identified in the general population by the Genome Aggregation Database (gnomAD). A different variant affecting the same codon, p.Phe110Leu is considered to be disease-causing (ClinVar variation ID: 177807), suggesting that phenylalanine at this position is important for TNNT2 protein function. Based on the available evidence, this variant is classified as Pathogenic.

Women's Health and Genetics/Laboratory Corporation of America, LabCorp
Classification: Pathogenic for Cardiomyopathy. Last evaluated: 2023-05-15. Review status: criteria provided, single submitter. Criteria: LabCorp Variant Classification Summary - May 2015. Collection method: clinical testing. Allele origin: germline.
Comment: Variant summary: TNNT2 c.328T>A (p.Phe110Ile) results in a non-conservative amino acid change in the encoded protein sequence. Four of five in-silico tools predict a damaging effect of the variant on protein function. The variant was absent in 251494 control chromosomes. c.328T>A has been reported in the literature in multiple individuals affected with HCM, including families with segregation data (eg. Anan_1998, Lin_2000, etc). These data indicate that the variant is very likely to be associated with disease. Skinned papillary muscle fibers from transgenic mice expressing F110I and F110I-reconstituted human cardiac muscle preparations demonstrated increased Ca2 sensitivity of force and ATPase activity and impaired ATPase activation (Hernandez_2005, Szczesna_2000). Two clinical diagnostic laboratories have submitted clinical-significance assessments for this variant to ClinVar after 2014 without evidence for independent evaluation. All laboratories classified the variant as pathogenic. Based on the evidence outlined above, the variant was classified as pathogenic.

Genome-Nilou Lab
Classification: Pathogenic for Dilated cardiomyopathy 1D. Last evaluated: 2023-04-11. Review status: criteria provided, single submitter. Criteria: ACMG Guidelines, 2015. Collection method: clinical testing. Allele origin: germline. Affected: no.

Genome-Nilou Lab
Classification: Pathogenic for Cardiomyopathy, familial restrictive, 3. Last evaluated: 2023-04-11. Review status: criteria provided, single submitter. Criteria: ACMG Guidelines, 2015. Collection method: clinical testing. Allele origin: germline. Affected: no.

Genome-Nilou Lab
Classification: Pathogenic for Hypertrophic cardiomyopathy 2. Last evaluated: 2023-04-11. Review status: criteria provided, single submitter. Criteria: ACMG Guidelines, 2015. Collection method: clinical testing. Allele origin: germline. Affected: no.

Human Genome Sequencing Center Clinical Lab, Baylor College of Medicine
Classification: Pathogenic for Dilated cardiomyopathy 1D. Last evaluated: 2017-11-01. Review status: criteria provided, single submitter. Criteria: ACMG Guidelines, 2015. Collection method: clinical testing. Allele origin: germline.
Comment: The c.328T>A (p.Phe110Ile) variant has not been observed in general population but reported with high prevalence and segregation pattern in multiple hypertrophic cardiomyopathy (HCM) patients (PMID: 7898523, 9714088). It is well conversed during evolution and predicted to be deleterious by multiple in silica prediction software. This variant has been showed to dramatically increase Ca2+ sensitivity of force development in cardiac muscle preparation (PMID: 10617660). It has been also observed in other clinical labs and reported as pathogenic. At the same amino acid position, Phe110Ile (c.330T>G), Phe110Val, Phe110L are reported as deleterious variants. Based on the above evidences, we interpret this variant as pathogenic.

Stanford Center for Inherited Cardiovascular Disease, Stanford University
Classification: Pathogenic. Last evaluated: 2013-01-30. Review status: criteria provided, single submitter. Criteria: ACMG Guidelines, 2015. Collection method: provider interpretation. Allele origin: germline.

OMIM
Classification: Pathogenic for CARDIOMYOPATHY, FAMILIAL HYPERTROPHIC, 2. Last evaluated: 1998-08-04. Review status: no assertion criteria provided. Collection method: literature only. Allele origin: germline. Not counted in ClinVar's aggregate classification.

Literature cited by the submitters: PubMed 10617660 (cited by 4 submitters); PubMed 22112859 (cited by 3 submitters); PubMed 23494605 (cited by 3 submitters); PubMed 7898523 (cited by 4 submitters); PubMed 9714088 (cited by 5 submitters); PubMed 9482583 (cited by All of Us Research Program, National Institutes of Health and Color Diagnostics, LLC DBA Color Health); PubMed 16115869 (cited by 3 submitters); PubMed 29907873 (cited by All of Us Research Program, National Institutes of Health and Color Diagnostics, LLC DBA Color Health); PubMed 10965086 (cited by Women's Health and Genetics/Laboratory Corporation of America, LabCorp).

NM_001276345.2(TNNT2):c.358T>A (p.Phe120Ile)

Gene: TNNT2 (troponin T2, cardiac type; minus strand). Cytogenetic location: 1q32.1.
Variant type: single nucleotide variant.
Coding change: c.358T>A on transcript NM_001276345.2 (MANE Select); coding-DNA position 358, T replaced by A.
Protein change: p.Phe120Ile; replaces phenylalanine 120 with isoleucine.
Molecular consequence: missense variant. On other transcripts: intron variant (1).
Genome position (GRCh38, 1-based): chr1:201,365,244, A>T on the plus strand (T>A on the coding strand, the complement: TNNT2 is on the minus strand). VCF-style: chr1-201365244-A-T. GRCh37 (hg19) VCF-style: chr1-201334372-A-T.
Other names: c.358T>A, p.Phe120Ile (NM_000364.4); c.328T>A, p.Phe110Ile (NM_001001430.3, NM_001001431.3, NM_001276347.2); c.313T>A, p.Phe105Ile (NM_001001432.3); c.291+366T>A (NM_001276346.2); short protein forms F110I, F120I, F105I.
Identifiers: ClinVar variation 12412 (VCV000012412.13), dbSNP rs121964858, ClinGen allele CA004383.